The following is an entry in ClinVar:

ClinVar aggregate classification (germline): Uncertain significance. Review status: criteria provided, multiple submitters, no conflicts (2 of 4 stars). 4 submissions from 4 submitters: Uncertain significance (4). Last evaluated 2026-04-28.

Conditions:
Hereditary cancer-predisposing syndrome. Also called: Neoplastic Syndromes, Hereditary; Hereditary Cancer Syndrome; Tumor predisposition; Hereditary neoplastic syndrome. Identifiers: Orphanet 140162, MedGen C0027672, MeSH D009386, MONDO:0015356.

Allele frequency attached by ClinVar (database versions not stated): gnomAD 0.00001; gnomAD exomes 0.00001.
gnomAD v4.1: 10 of 1,613,914 alleles (0.00062%); highest among the groups gnomAD compares: Non-Finnish European, 0.00076%; no homozygotes.

Submissions (4):

Ambry Genetics
Classification: Uncertain significance for Hereditary cancer-predisposing syndrome. Last evaluated: 2026-04-28. Review status: criteria provided, single submitter. Criteria: Ambry Variant Classification Scheme 2023. Collection method: clinical testing. Allele origin: germline.
Comment: The p.Y1398C variant (also known as c.4193A>G), located in coding exon 33 of the POLE gene, results from an A to G substitution at nucleotide position 4193. The tyrosine at codon 1398 is replaced by cysteine, an amino acid with highly dissimilar properties. This amino acid position is highly conserved in available vertebrate species. In addition, the in silico prediction for this alteration is inconclusive. Based on the available evidence, the clinical significance of this variant remains unclear.

Labcorp Genetics (formerly Invitae), Labcorp
Classification: Uncertain significance. Last evaluated: 2025-12-20. Review status: criteria provided, single submitter. Criteria: Invitae Variant Classification Sherloc (09022015). Collection method: clinical testing. Allele origin: germline.
Comment: This sequence change replaces tyrosine, which is neutral and polar, with cysteine, which is neutral and slightly polar, at codon 1398 of the POLE protein (p.Tyr1398Cys). This variant is not present in population databases (gnomAD no frequency). This variant has not been reported in the literature in individuals affected with POLE-related conditions. ClinVar contains an entry for this variant (Variation ID: 240506). Invitae Evidence Modeling of protein sequence and biophysical properties (such as structural, functional, and spatial information, amino acid conservation, physicochemical variation, residue mobility, and thermodynamic stability) indicates that this missense variant is expected to disrupt POLE protein function with a positive predictive value of 80%. In summary, the available evidence is currently insufficient to determine the role of this variant in disease. Therefore, it has been classified as a Variant of Uncertain Significance.

Center for Genomic Medicine, Rigshospitalet, Copenhagen University Hospital
Classification: Uncertain significance. Last evaluated: 2025-03-04. Review status: criteria provided, single submitter. Criteria: ACMG Guidelines, 2015. Collection method: clinical testing. Allele origin: germline.
Comment: Classification criteria: PM2_supporting

Blueprint Genetics
Classification: Uncertain significance. Last evaluated: 2023-06-02. Review status: criteria provided, single submitter. Criteria: ACMG Guidelines, 2015. Collection method: clinical testing. Allele origin: germline.

NM_006231.4(POLE):c.4193A>G (p.Tyr1398Cys)

Gene: POLE (DNA polymerase epsilon, catalytic subunit; minus strand). Cytogenetic location: 12q24.33.
Variant type: single nucleotide variant.
Coding change: c.4193A>G on transcript NM_006231.4 (MANE Select); coding-DNA position 4193, A replaced by G.
Protein change: p.Tyr1398Cys; replaces tyrosine 1398 with cysteine.
Molecular consequence: missense variant.
Genome position (GRCh38, 1-based): chr12:132,643,934, T>C on the plus strand (A>G on the coding strand, the complement: POLE is on the minus strand). VCF-style: chr12-132643934-T-C. GRCh37 (hg19) VCF-style: chr12-133220520-T-C.
Other names: short protein forms Y1398C.
Identifiers: ClinVar variation 240506 (VCV000240506.13), dbSNP rs878854868, ClinGen allele CA10582994.